The following is an entry in ClinVar:

ClinVar aggregate classification (germline): Likely benign (1 of 4 stars; one submission).

Submission:

CeGaT Center for Human Genetics Tuebingen
Classification: Likely benign. Last evaluated: 2023-03-01. Review status: criteria provided, single submitter. Criteria: CeGaT Center For Human Genetics Tuebingen Variant Classification Criteria Version 2. Collection method: clinical testing. Allele origin: germline. Affected: yes. Observed: 1 variant allele.
Comment: NRK: PM2:Supporting, BP4, BP7

NM_198465.4(NRK):c.336A>G (p.Ala112=)

Gene: NRK (Nik related kinase; plus strand). Cytogenetic location: Xq22.3.
Variant type: single nucleotide variant.
Coding change: c.336A>G on transcript NM_198465.4 (MANE Select); coding-DNA position 336, A replaced by G.
Protein change: p.Ala112=; no amino-acid change (alanine 112 retained).
Molecular consequence: synonymous variant.
Genome position (GRCh38, 1-based): chrX:105,888,377, A>G. VCF-style: chrX-105888377-A-G. GRCh37 (hg19) VCF-style: chrX-105132370-A-G.
Identifiers: ClinVar variation 2661125 (VCV002661125.24), dbSNP rs2544801670, ClinGen allele CA517914364.